The following is an entry in ClinVar:

NM_013266.4(CTNNA3):c.229G>T (p.Ala77Ser)

Gene: CTNNA3 (catenin alpha 3; minus strand). Cytogenetic location: 10q21.3.
Variant type: single nucleotide variant.
Coding change: c.229G>T on transcript NM_013266.4 (MANE Select); coding-DNA position 229, G replaced by T.
Protein change: p.Ala77Ser; replaces alanine 77 with serine.
Molecular consequence: missense variant.
Genome position (GRCh38, 1-based): chr10:67,606,920, C>A on the plus strand (G>T on the coding strand, the complement: CTNNA3 is on the minus strand). VCF-style: chr10-67606920-C-A. GRCh37 (hg19) VCF-style: chr10-69366678-C-A.
Other names: c.229G>T, p.Ala77Ser (NM_001127384.3); c.265G>T, p.Ala89Ser (NM_001291133.2); short protein forms A77S, A89S.
Identifiers: ClinVar variation 3498297 (VCV003498297.1).

ClinVar aggregate classification (germline): Uncertain significance (1 of 4 stars; one submission).

gnomAD v4.1: 1 of 1,614,134 alleles (0.000062%); no homozygotes.

Submission:

Ambry Genetics
Classification: Uncertain significance. Last evaluated: 2024-08-28. Review status: criteria provided, single submitter. Criteria: Ambry Variant Classification Scheme 2023. Collection method: clinical testing. Allele origin: germline.
Comment: The p.A77S variant (also known as c.229G>T), located in coding exon 2 of the CTNNA3 gene, results from a G to T substitution at nucleotide position 229. The alanine at codon 77 is replaced by serine, an amino acid with similar properties. This amino acid position is conserved. In addition, this alteration is predicted to be tolerated by in silico analysis. Based on the available evidence, the clinical significance of this variant remains unclear.